The following is an entry in ClinVar:

NM_020964.3(EPG5):c.1204A>G (p.Ser402Gly)

Gene: EPG5 (ectopic P-granules 5 autophagy tethering factor; minus strand). Cytogenetic location: 18q21.1.
Variant type: single nucleotide variant.
Coding change: c.1204A>G on transcript NM_020964.3 (MANE Select); coding-DNA position 1204, A replaced by G.
Protein change: p.Ser402Gly; replaces serine 402 with glycine.
Molecular consequence: missense variant.
Genome position (GRCh38, 1-based): chr18:45,952,448, T>C on the plus strand (A>G on the coding strand, the complement: EPG5 is on the minus strand). VCF-style: chr18-45952448-T-C. GRCh37 (hg19) VCF-style: chr18-43532414-T-C.
Other names: c.1204A>G, p.Ser402Gly (NM_001410858.1, NM_001410859.1); short protein forms S402G.
Identifiers: ClinVar variation 1720365 (VCV001720365.5), dbSNP rs779034631, ClinGen allele CA8949795.

ClinVar aggregate classification (germline): Uncertain significance (1 of 4 stars; one submission).

Conditions:
Vici syndrome (VICIS). Identifiers: Orphanet 1493, MedGen C1855772, MONDO:0009452, OMIM 242840.

Allele frequency attached by ClinVar (database versions not stated): gnomAD exomes below 0.00001; ExAC 0.00001.
gnomAD v4.1: 5 of 1,614,214 alleles (0.00031%); highest among the groups gnomAD compares: South Asian, 0.0055%; no homozygotes.

Submission:

Labcorp Genetics (formerly Invitae), Labcorp
Classification: Uncertain significance for Vici syndrome. Last evaluated: 2024-07-29. Review status: criteria provided, single submitter. Criteria: Invitae Variant Classification Sherloc (09022015). Collection method: clinical testing. Allele origin: germline.
Comment: This sequence change replaces serine, which is neutral and polar, with glycine, which is neutral and non-polar, at codon 402 of the EPG5 protein (p.Ser402Gly). This variant is present in population databases (rs779034631, gnomAD 0.006%). This variant has not been reported in the literature in individuals affected with EPG5-related conditions. ClinVar contains an entry for this variant (Variation ID: 1720365). Advanced modeling of protein sequence and biophysical properties (such as structural, functional, and spatial information, amino acid conservation, physicochemical variation, residue mobility, and thermodynamic stability) performed at Invitae indicates that this missense variant is not expected to disrupt EPG5 protein function with a negative predictive value of 80%. In summary, the available evidence is currently insufficient to determine the role of this variant in disease. Therefore, it has been classified as a Variant of Uncertain Significance.